The following is an entry in ClinVar:

ClinVar aggregate classification (germline): Uncertain significance. Review status: criteria provided, multiple submitters, no conflicts (2 of 4 stars). 2 submissions from 2 submitters: Uncertain significance (2). Last evaluated 2023-05-29.

Conditions:
Cardiovascular phenotype. Identifiers: MedGen CN230736.
Myofibrillar myopathy 5. Also called: FILAMINOPATHY, AUTOSOMAL DOMINANT; Filaminopathy (type). Identifiers: Orphanet 171445, MedGen C1836050, MONDO:0012289, OMIM 609524.
Distal myopathy with posterior leg and anterior hand involvement. Also called: WILLIAMS DISTAL MYOPATHY. Identifiers: Orphanet 63273, MedGen C3279722, MONDO:0013550, OMIM 614065.
Hypertrophic cardiomyopathy 26. Also called: Cardiomyopathy, familial hypertrophic, 26. Identifiers: Orphanet 75249, MedGen C4310749, MONDO:0014883, OMIM 617047.

Submissions (2):

Ambry Genetics
Classification: Uncertain significance for Cardiovascular phenotype. Last evaluated: 2023-05-29. Review status: criteria provided, single submitter. Criteria: Ambry Variant Classification Scheme 2023. Collection method: clinical testing. Allele origin: germline.
Comment: The p.G1722D variant (also known as c.5165G>A), located in coding exon 30 of the FLNC gene, results from a G to A substitution at nucleotide position 5165. The glycine at codon 1722 is replaced by aspartic acid, an amino acid with similar properties. This amino acid position is conserved. In addition, this alteration is predicted to be deleterious by in silico analysis. Since supporting evidence is limited at this time, the clinical significance of this alteration remains unclear.

Labcorp Genetics (formerly Invitae), Labcorp
Classification: Uncertain significance for Distal myopathy with posterior leg and anterior hand involvement; Myofibrillar myopathy 5; Hypertrophic cardiomyopathy 26. Last evaluated: 2022-10-25. Review status: criteria provided, single submitter. Criteria: Invitae Variant Classification Sherloc (09022015). Collection method: clinical testing. Allele origin: germline.
Comment: In summary, the available evidence is currently insufficient to determine the role of this variant in disease. Therefore, it has been classified as a Variant of Uncertain Significance. Algorithms developed to predict the effect of sequence changes on RNA splicing suggest that this variant may disrupt the consensus splice site. Advanced modeling of protein sequence and biophysical properties (such as structural, functional, and spatial information, amino acid conservation, physicochemical variation, residue mobility, and thermodynamic stability) has been performed at Invitae for this missense variant, however the output from this modeling did not meet the statistical confidence thresholds required to predict the impact of this variant on FLNC protein function. This variant has not been reported in the literature in individuals affected with FLNC-related conditions. This variant is present in population databases (no rsID available, gnomAD no frequency). This sequence change replaces glycine, which is neutral and non-polar, with aspartic acid, which is acidic and polar, at codon 1722 of the FLNC protein (p.Gly1722Asp).

NM_001458.5(FLNC):c.5165G>A (p.Gly1722Asp)

Gene: FLNC (filamin C; plus strand). Cytogenetic location: 7q32.1.
Variant type: single nucleotide variant.
Coding change: c.5165G>A on transcript NM_001458.5 (MANE Select); coding-DNA position 5165, G replaced by A.
Protein change: p.Gly1722Asp; replaces glycine 1722 with aspartic acid.
Molecular consequence: missense variant.
Genome position (GRCh38, 1-based): chr7:128,849,544, G>A. VCF-style: chr7-128849544-G-A. GRCh37 (hg19) VCF-style: chr7-128489598-G-A.
Other names: c.5165G>A, p.Gly1722Asp (NM_001127487.2); short protein forms G1722D.
Identifiers: ClinVar variation 2142405 (VCV002142405.6), dbSNP rs775405275, ClinGen allele CA369204317.